The following is an entry in ClinVar:

NM_001267550.2(TTN):c.33643A>G (p.Lys11215Glu)

Gene: TTN (titin; minus strand). Cytogenetic location: 2q31.2.
Variant type: single nucleotide variant.
Coding change: c.33643A>G on transcript NM_001267550.2 (MANE Select); coding-DNA position 33643, A replaced by G.
Protein change: p.Lys11215Glu; replaces lysine 11215 with glutamic acid.
Molecular consequence: missense variant. On other transcripts: intron variant (3).
Genome position (GRCh38, 1-based): chr2:178,679,620, T>C on the plus strand (A>G on the coding strand, the complement: TTN is on the minus strand). VCF-style: chr2-178679620-T-C. GRCh37 (hg19) VCF-style: chr2-179544347-T-C.
Other names: c.32692A>G, p.Lys10898Glu (NM_001256850.1); c.29911A>G, p.Lys9971Glu (NM_133378.4); c.13283-37303A>G (NM_003319.4); c.13859-37303A>G (NM_133437.4); c.13658-37303A>G (NM_133432.3); short protein forms K10898E, K11215E, K9971E.
Identifiers: ClinVar variation 4080926 (VCV004080926.2).

ClinVar aggregate classification (germline): Uncertain significance. Review status: criteria provided, multiple submitters, no conflicts (2 of 4 stars). 2 submissions from 2 submitters: Uncertain significance (2). Last evaluated 2026-09-05.

Conditions:
TTN-related disorder. Also called: TTN-related condition; TTN-related disease; TTN-related disorders.

Submissions (2):

PreventionGenetics, part of Exact Sciences
Classification: Uncertain significance for TTN-related condition. Last evaluated: 2026-09-05. Review status: criteria provided, single submitter. Criteria: ACMG Guidelines, 2015. Collection method: clinical testing. Allele origin: germline.
Comment: The TTN c.33643A>G variant is predicted to result in the amino acid substitution p.Lys11215Glu. To our knowledge, this variant has not been reported in the literature. This variant has been reported in 1 heterozygous individual within the ‘other’ subpopulation in gnomAD. At this time, the clinical significance of this variant is uncertain due to the absence of conclusive functional and genetic evidence.

Revvity Omics, Revvity
Classification: Uncertain significance. Last evaluated: 2024-10-16. Review status: criteria provided, single submitter. Criteria: ACMG Guidelines, 2015. Collection method: clinical testing. Allele origin: germline.